The following is an entry in ClinVar:

ClinVar aggregate classification (germline): Uncertain significance. Review status: criteria provided, multiple submitters, no conflicts (2 of 4 stars). 2 submissions from 2 submitters: Uncertain significance (2). Last evaluated 2023-05-10.

Conditions:
Nijmegen breakage syndrome-like disorder (NBSLD). Also called: MICROCEPHALY AND SPONTANEOUS CHROMOSOME INSTABILITY WITHOUT IMMUNODEFICIENCY; NBS-LIKE DISORDER; RAD50 DEFICIENCY. Identifiers: Orphanet 240760, MedGen C2751318, MONDO:0013118, OMIM 613078.
Hereditary cancer-predisposing syndrome. Also called: Neoplastic Syndromes, Hereditary; Tumor predisposition; Hereditary Cancer Syndrome; Hereditary neoplastic syndrome. Identifiers: Orphanet 140162, MedGen C0027672, MeSH D009386, MONDO:0015356.

Submissions (2):

Baylor Genetics
Classification: Uncertain significance for Nijmegen breakage syndrome-like disorder. Last evaluated: 2023-05-10. Review status: criteria provided, single submitter. Criteria: ACMG Guidelines, 2015. Collection method: clinical testing. Allele origin: unknown.

Ambry Genetics
Classification: Uncertain significance for Hereditary cancer-predisposing syndrome. Last evaluated: 2015-04-23. Review status: criteria provided, single submitter. Criteria: Ambry Variant Classification Scheme 2023. Collection method: clinical testing. Allele origin: germline.
Comment: The p.L1024V variant (also known as c.3070T>G), located in coding exon 20 of the RAD50 gene, results from a T to G substitution at nucleotide position 3070. The leucine at codon 1024 is replaced by valine, an amino acid with highly similar properties. This variant was not reported in population based cohorts in the following databases: Database of Single Nucleotide Polymorphisms (dbSNP), NHLBI Exome Sequencing Project (ESP), and 1000 Genomes Project. In the ESP, this variant was not observed in 6500 samples (13000 alleles) with coverage at this position. To date, this alteration has been detected with an allele frequency of approximately 0.002% (greater than 65000 alleles tested) in our clinical cohort. This amino acid position is highly conserved in available vertebrate species. In addition, this alteration is predicted to be benign and deleterious by PolyPhen and SIFT in silico analyses, respectively. Since supporting evidence is limited at this time, the clinical significance of p.L1024V remains unclear.

NM_005732.4(RAD50):c.3070T>G (p.Leu1024Val)

Gene: RAD50 (RAD50 double strand break repair protein; plus strand). Cytogenetic location: 5q31.1.
Variant type: single nucleotide variant.
Coding change: c.3070T>G on transcript NM_005732.4 (MANE Select); coding-DNA position 3070, T replaced by G.
Protein change: p.Leu1024Val; replaces leucine 1024 with valine.
Molecular consequence: missense variant.
Genome position (GRCh38, 1-based): chr5:132,616,036, T>G. VCF-style: chr5-132616036-T-G. GRCh37 (hg19) VCF-style: chr5-131951728-T-G.
Other names: short protein forms L1024V.
Identifiers: ClinVar variation 231462 (VCV000231462.6), dbSNP rs876659174, ClinGen allele CA10578591.
Genomic context (GRCh38, chr5:132,616,036, plus strand): 5'-GTTAACTAATTTAATGTTTACCTTTAGATACAAGAAAGGTGGCTACAAGATAACCTTACT[T>G]TAAGAAAAAGAAATGAGGAACTAAAAGAAGTTGAAGAAGAAAGAAAACAACATTTGAAGG-3'
Protein context (NP_005723.2, residues 1014-1034): QERWLQDNLT[Leu1024Val]RKRNEELKEV